The following is an entry in ClinVar:

ClinVar aggregate classification (germline): Uncertain significance. Review status: criteria provided, multiple submitters, no conflicts (2 of 4 stars). 3 submissions from 3 submitters: Uncertain significance (3). Last evaluated 2025-06-17.

Allele frequency attached by ClinVar (database versions not stated): gnomAD 0.00004 and 0.00007; gnomAD exomes 0.00004 and 0.00009; TOPMed 0.00007; ESP Exome Variant Server 0.00008; ExAC 0.00010; 1000 Genomes Project 0.00020; 1000 Genomes Project 30x 0.00031.
gnomAD v4.1: 67 of 1,614,144 alleles (0.0042%); highest among the groups gnomAD compares: South Asian, 0.031%; no homozygotes.

Submissions (3):

Labcorp Genetics (formerly Invitae), Labcorp
Classification: Uncertain significance. Last evaluated: 2025-06-17. Review status: criteria provided, single submitter. Criteria: Invitae Variant Classification Sherloc (09022015). Collection method: clinical testing. Allele origin: germline.
Comment: This sequence change replaces valine, which is neutral and non-polar, with methionine, which is neutral and non-polar, at codon 199 of the SLC7A14 protein (p.Val199Met). This variant is present in population databases (rs375762552, gnomAD 0.05%). This variant has not been reported in the literature in individuals affected with SLC7A14-related conditions. ClinVar contains an entry for this variant (Variation ID: 1000610). An algorithm developed to predict the effect of missense changes on protein structure and function (PolyPhen-2) suggests that this variant is likely to be tolerated. In summary, the available evidence is currently insufficient to determine the role of this variant in disease. Therefore, it has been classified as a Variant of Uncertain Significance.

Ambry Genetics
Classification: Uncertain significance. Last evaluated: 2024-08-02. Review status: criteria provided, single submitter. Criteria: Ambry Variant Classification Scheme 2023. Collection method: clinical testing. Allele origin: germline.

Blueprint Genetics
Classification: Uncertain significance. Last evaluated: 2023-01-02. Review status: criteria provided, single submitter. Criteria: ACMG Guidelines, 2015. Collection method: clinical testing. Allele origin: germline.

NM_020949.3(SLC7A14):c.595G>A (p.Val199Met)

Genes: SLC7A14 (solute carrier family 7 member 14; minus strand), SLC7A14-AS1 (SLC7A14 antisense RNA 1; plus strand). Cytogenetic location: 3q26.2.
Variant type: single nucleotide variant.
Coding change: c.595G>A on transcript NM_020949.3 (MANE Select); coding-DNA position 595, G replaced by A.
Protein change: p.Val199Met; replaces valine 199 with methionine.
Molecular consequence: missense variant.
Genome position (GRCh38, 1-based): chr3:170,498,831, C>T on the plus strand (G>A on the coding strand, the complement: SLC7A14 is on the minus strand). VCF-style: chr3-170498831-C-T. GRCh37 (hg19) VCF-style: chr3-170216620-C-T.
Other names: c.595G>A (NM_020949.2); short protein forms V199M.
Identifiers: ClinVar variation 1000610 (VCV001000610.9), dbSNP rs375762552, ClinGen allele CA2701875.